The following is an entry in ClinVar:

ClinVar aggregate classification (germline): Pathogenic (1 of 4 stars; one submission).

Conditions:
Multiple endocrine neoplasia, type 1 (MEN1). Also called: MEN I; WERMER SYNDROME; Endocrine adenomatosis multiple; MEN 1; MEA I. Identifiers: Orphanet 652, MedGen C0025267, MeSH D018761, MONDO:0007540, OMIM 131100.

Submission:

Labcorp Genetics (formerly Invitae), Labcorp
Classification: Pathogenic for Multiple endocrine neoplasia, type 1. Last evaluated: 2023-01-02. Review status: criteria provided, single submitter. Criteria: Invitae Variant Classification Sherloc (09022015). Collection method: clinical testing. Allele origin: germline.
Comment: This sequence change creates a premature translational stop signal (p.Leu13Alafs*104) in the MEN1 gene. It is expected to result in an absent or disrupted protein product. Loss-of-function variants in MEN1 are known to be pathogenic (PMID: 12112656, 17853334). This variant is not present in population databases (gnomAD no frequency). This variant has not been reported in the literature in individuals affected with MEN1-related conditions. For these reasons, this variant has been classified as Pathogenic.

Literature cited by the submitters: PubMed 12112656; PubMed 17853334.

NM_001370259.2(MEN1):c.35dup (p.Leu13fs)

Gene: MEN1 (menin 1; minus strand). Cytogenetic location: 11q13.1.
Variant type: Duplication.
Coding change: c.35dup on transcript NM_001370259.2 (MANE Select); coding-DNA position 35, one base duplicated (C; older notation c.35dupC).
Protein change: p.Leu13fs; shifts the reading frame from leucine 13.
Molecular consequence: frameshift variant. On other transcripts: non-coding transcript variant (4).
Genome position (GRCh38, 1-based): chr11:64,810,075, G duplicated on the plus strand (C on the coding strand, the reverse complement: MEN1 is on the minus strand); the first of 3 consecutive G bases (chr11:64,810,075-64,810,077); duplicating any one gives the same sequence. VCF-style (leftmost placement, unchanged base first): chr11-64810074-C-CG. GRCh37 (hg19) VCF-style: chr11-64577546-C-CG.
Other names: c.35dup, p.Leu13fs (NM_001407146.1, NM_001407147.1, NM_001407148.1 and 20 more transcripts); short protein forms L13fs.
Identifiers: ClinVar variation 2826001 (VCV002826001.3), dbSNP rs2497290026, ClinGen allele CA2739270490.
Genomic context (GRCh38, chr11:64,810,074, plus strand): 5'-CGGCTCCTCTCGGCCCAGCTCGGCAGCAAACAGGCGCACCACGTCGTCGATGGAGCGCAG[C>CG]GGGAACAGCGTCTTCTGGGCGGCCTTCAGCCCCATGGCGGCGGGCGGTGGGCGGCGGCCT-3'